The following is an entry in ClinVar:

NM_004444.5(EPHB4):c.2128G>T (p.Gly710Ter)

Gene: EPHB4 (EPH receptor B4; minus strand). Cytogenetic location: 7q22.1.
Variant type: single nucleotide variant.
Coding change: c.2128G>T on transcript NM_004444.5 (MANE Select); coding-DNA position 2128, G replaced by T.
Protein change: p.Gly710Ter; replaces glycine 710 with a stop codon.
Molecular consequence: nonsense.
Genome position (GRCh38, 1-based): chr7:100,807,571, C>A on the plus strand (G>T on the coding strand, the complement: EPHB4 is on the minus strand). VCF-style: chr7-100807571-C-A. GRCh37 (hg19) VCF-style: chr7-100405193-C-A.
Other names: short protein forms G710*.
Identifiers: ClinVar variation 4018825 (VCV004018825.1).

ClinVar aggregate classification (germline): Pathogenic (1 of 4 stars; one submission).

Conditions:
Cardiovascular phenotype. Identifiers: MedGen CN230736.

Submission:

Ambry Genetics
Classification: Pathogenic for Cardiovascular phenotype. Last evaluated: 2025-03-31. Review status: criteria provided, single submitter. Criteria: Ambry Variant Classification Scheme 2023. Collection method: clinical testing. Allele origin: germline.
Comment: The c.2128G>T (p.G710*) alteration, located in exon 13 (coding exon 13) of the EPHB4 gene, consists of a G to T substitution at nucleotide position 2128. This changes the amino acid from a glycine (G) to a stop codon at amino acid position 710. This alteration is expected to result in loss of function by premature protein truncation or nonsense-mediated mRNA decay. This variant was not reported in population-based cohorts in the Genome Aggregation Database (gnomAD). Based on the available evidence, this alteration is classified as pathogenic.